The following is an entry in ClinVar:

NM_206933.4(USH2A):c.3884G>T (p.Arg1295Leu)

Genes: USH2A (usherin; minus strand), USH2A-AS1 (USH2A antisense RNA 1; plus strand). Cytogenetic location: 1q41.
Variant type: single nucleotide variant.
Coding change: c.3884G>T on transcript NM_206933.4 (MANE Select); coding-DNA position 3884, G replaced by T.
Protein change: p.Arg1295Leu; replaces arginine 1295 with leucine.
Molecular consequence: missense variant.
Genome position (GRCh38, 1-based): chr1:216,198,512, C>A on the plus strand (G>T on the coding strand, the complement: USH2A is on the minus strand). VCF-style: chr1-216198512-C-A. GRCh37 (hg19) VCF-style: chr1-216371854-C-A.
Other names: c.3884G>T (NM_206933.2); c.3884G>T, p.Arg1295Leu (NM_007123.6); short protein forms R1295L.
Identifiers: ClinVar variation 877053 (VCV000877053.46), dbSNP rs372993160, ClinGen allele CA1395882.

ClinVar aggregate classification (germline): Uncertain significance. Review status: criteria provided, multiple submitters, no conflicts (2 of 4 stars). 10 submissions from 8 submitters: Uncertain significance (8). 2 of the submissions do not count toward it. Last evaluated 2024-08-19.

Conditions:
Retinal dystrophy. Also called: Inherited retinal dystrophy. Identifiers: Orphanet 71862, MedGen C0854723, MeSH D058499, MONDO:0019118, HP:0000556.
Retinitis pigmentosa (RP). Identifiers: Orphanet 791, MedGen C0035334, MeSH D012174, MONDO:0019200, OMIM 268000. Inheritance: Autosomal dominant, autosomal recessive and X linked inheritance.
Retinitis pigmentosa 39 (RP39). Identifiers: Orphanet 791, MedGen C3151138, MONDO:0013436, OMIM 613809.
Usher syndrome type 2A. Also called: RETINAL DISEASE IN USHER SYNDROME TYPE IIA, MODIFIER OF; USHER SYNDROME, TYPE IIA. Identifiers: Orphanet 231178, Orphanet 886, MedGen C1848634, MONDO:0010169, OMIM 276901.
Inborn genetic diseases. Identifiers: MedGen C0950123, MeSH D030342.

Allele frequency attached by ClinVar (database versions not stated): ESP Exome Variant Server 0.00008; TOPMed 0.00009.
gnomAD v4.1: 123 of 1,613,840 alleles (0.0076%); highest among the groups gnomAD compares: Non-Finnish European, 0.0097%; no homozygotes.

Submissions (10):

Ambry Genetics
Classification: Uncertain significance for Inborn genetic diseases. Last evaluated: 2024-08-19. Review status: criteria provided, single submitter. Criteria: Ambry Variant Classification Scheme 2023. Collection method: clinical testing. Allele origin: germline.

CeGaT Center for Human Genetics Tuebingen
Classification: Uncertain significance. Last evaluated: 2024-01-01. Review status: criteria provided, single submitter. Criteria: CeGaT Center For Human Genetics Tuebingen Variant Classification Criteria Version 2. Collection method: clinical testing. Allele origin: germline. Affected: yes. Observed: 3 variant alleles.
Comment: USH2A: PM2, BP4

Genome-Nilou Lab
Classification: Uncertain significance for Retinitis pigmentosa 39. Last evaluated: 2023-11-04. Review status: criteria provided, single submitter. Criteria: ACMG Guidelines, 2015. Collection method: clinical testing. Allele origin: germline. Affected: no.

Genome-Nilou Lab
Classification: Uncertain significance for Usher syndrome type 2A. Last evaluated: 2023-11-04. Review status: criteria provided, single submitter. Criteria: ACMG Guidelines, 2015. Collection method: clinical testing. Allele origin: germline. Affected: no.

GeneDx
Classification: Uncertain significance. Last evaluated: 2023-06-26. Review status: criteria provided, single submitter. Criteria: GeneDx Variant Classification Process June 2021. Collection method: clinical testing. Allele origin: germline. Affected: yes.
Comment: In silico analysis supports that this missense variant has a deleterious effect on protein structure/function; Has not been previously published as pathogenic or benign to our knowledge

Labcorp Genetics (formerly Invitae), Labcorp
Classification: Uncertain significance. Last evaluated: 2021-12-18. Review status: criteria provided, single submitter. Criteria: Invitae Variant Classification Sherloc (09022015). Collection method: clinical testing. Allele origin: germline.
Comment: This sequence change replaces arginine, which is basic and polar, with leucine, which is neutral and non-polar, at codon 1295 of the USH2A protein (p.Arg1295Leu). This variant is present in population databases (rs372993160, gnomAD 0.01%). This variant has not been reported in the literature in individuals affected with USH2A-related conditions. ClinVar contains an entry for this variant (Variation ID: 877053). Algorithms developed to predict the effect of missense changes on protein structure and function output the following: SIFT: "Tolerated"; PolyPhen-2: "Benign"; Align-GVGD: "Class C0". The leucine amino acid residue is found in multiple mammalian species, which suggests that this missense change does not adversely affect protein function. In summary, the available evidence is currently insufficient to determine the role of this variant in disease. Therefore, it has been classified as a Variant of Uncertain Significance.

Illumina Laboratory Services, Illumina
Classification: Uncertain significance for Retinitis pigmentosa. Last evaluated: 2017-07-12. Review status: criteria provided, single submitter. Criteria: ICSL Variant Classification Criteria 13 December 2019. Collection method: clinical testing. Allele origin: germline.

Illumina Laboratory Services, Illumina
Classification: Uncertain significance for Usher syndrome type 2A. Last evaluated: 2017-07-12. Review status: criteria provided, single submitter. Criteria: ICSL Variant Classification Criteria 13 December 2019. Collection method: clinical testing. Allele origin: germline.

Institute of Human Genetics, Univ. Regensburg, Univ. Regensburg
Classification: Uncertain significance for Retinal dystrophy. Last evaluated: 2022-01-01. Review status: no assertion criteria provided. Criteria: ACMG Guidelines, 2015. Collection method: clinical testing. Allele origin: germline. Affected: yes. Not counted in ClinVar's aggregate classification.

Natera, Inc.
Classification: Uncertain significance for Usher syndrome type 2A. Last evaluated: 2020-02-26. Review status: no assertion criteria provided. Collection method: clinical testing. Allele origin: germline. Not counted in ClinVar's aggregate classification.